The following is an entry in ClinVar:

NM_015267.4(CUX2):c.3753C>T (p.His1251=)

Gene: CUX2 (cut like homeobox 2; plus strand). Cytogenetic location: 12q24.12.
Variant type: single nucleotide variant.
Coding change: c.3753C>T on transcript NM_015267.4 (MANE Select); coding-DNA position 3753, C replaced by T.
Protein change: p.His1251=; no amino-acid change (histidine 1251 retained).
Molecular consequence: synonymous variant.
Genome position (GRCh38, 1-based): chr12:111,347,617, C>T. VCF-style: chr12-111347617-C-T. GRCh37 (hg19) VCF-style: chr12-111785421-C-T.
Other names: c.3567C>T, p.His1189= (NM_001370598.1).
Identifiers: ClinVar variation 3034490 (VCV003034490.2), dbSNP rs1186575823, ClinGen allele CA481870233.

ClinVar aggregate classification (germline): Likely benign (0 of 4 stars; one submission).

Conditions:
CUX2-related disorder. Also called: CUX2-related condition.

Allele frequency attached by ClinVar (database versions not stated): gnomAD 0.00001; gnomAD exomes 0.00001; TOPMed 0.00001.
gnomAD v4.1: 15 of 1,610,274 alleles (0.00093%); highest among the groups gnomAD compares: South Asian, 0.0033%; no homozygotes.

Submission:

PreventionGenetics, part of Exact Sciences
Classification: Likely benign for CUX2-related condition. Last evaluated: 2019-06-18. Review status: no assertion criteria provided. Collection method: clinical testing. Allele origin: germline.
Comment: This variant is classified as likely benign based on ACMG/AMP sequence variant interpretation guidelines (Richards et al. 2015 PMID: 25741868, with internal and published modifications).